The following is an entry in ClinVar:

ClinVar aggregate classification (germline): Uncertain significance. Review status: criteria provided, multiple submitters, no conflicts (2 of 4 stars). 4 submissions from 4 submitters: Uncertain significance (4). Last evaluated 2025-12-08.

Conditions:
CNGB1-related disorder. Also called: CNGB1-related condition.
Inborn genetic diseases. Identifiers: MedGen C0950123, MeSH D030342.

Allele frequency attached by ClinVar (database versions not stated): ExAC 0.00002; gnomAD exomes 0.00002 and 0.00003; gnomAD 0.00004 and 0.00005; TOPMed 0.00005; ESP Exome Variant Server 0.00016.
gnomAD v4.1: 47 of 1,543,696 alleles (0.003%); highest among the groups gnomAD compares: Non-Finnish European, 0.0038%; no homozygotes.

Submissions (4):

PreventionGenetics, part of Exact Sciences
Classification: Uncertain significance for CNGB1-related condition. Last evaluated: 2025-12-08. Review status: criteria provided, single submitter. Criteria: ACMG Guidelines, 2015. Collection method: clinical testing. Allele origin: germline.
Comment: The CNGB1 c.752A>T variant is predicted to result in the amino acid substitution p.Asp251Val. To our knowledge, this variant has not been reported in the literature. This variant is reported in 0.0046% of alleles in individuals of African descent in gnomAD. At this time, the clinical significance of this variant is uncertain due to the absence of conclusive functional and genetic evidence.

Ambry Genetics
Classification: Uncertain significance for Inborn genetic diseases. Last evaluated: 2025-10-17. Review status: criteria provided, single submitter. Criteria: Ambry Variant Classification Scheme 2023. Collection method: clinical testing. Allele origin: germline.

Labcorp Genetics (formerly Invitae), Labcorp
Classification: Uncertain significance. Last evaluated: 2022-10-25. Review status: criteria provided, single submitter. Criteria: Invitae Variant Classification Sherloc (09022015). Collection method: clinical testing. Allele origin: germline.
Comment: This sequence change replaces aspartic acid, which is acidic and polar, with valine, which is neutral and non-polar, at codon 251 of the CNGB1 protein (p.Asp251Val). This variant is present in population databases (rs370285136, gnomAD 0.005%). This variant has not been reported in the literature in individuals affected with CNGB1-related conditions. ClinVar contains an entry for this variant (Variation ID: 1005632). Advanced modeling of protein sequence and biophysical properties (such as structural, functional, and spatial information, amino acid conservation, physicochemical variation, residue mobility, and thermodynamic stability) performed at Invitae indicates that this missense variant is not expected to disrupt CNGB1 protein function. In summary, the available evidence is currently insufficient to determine the role of this variant in disease. Therefore, it has been classified as a Variant of Uncertain Significance.

Blueprint Genetics
Classification: Uncertain significance. Last evaluated: 2021-12-10. Review status: criteria provided, single submitter. Criteria: ACMG Guidelines, 2015. Collection method: clinical testing. Allele origin: germline.

NM_001297.5(CNGB1):c.752A>T (p.Asp251Val)

Gene: CNGB1 (cyclic nucleotide gated channel subunit beta 1; minus strand). Cytogenetic location: 16q21.
Variant type: single nucleotide variant.
Coding change: c.752A>T on transcript NM_001297.5 (MANE Select); coding-DNA position 752, A replaced by T.
Protein change: p.Asp251Val; replaces aspartic acid 251 with valine.
Molecular consequence: missense variant.
Genome position (GRCh38, 1-based): chr16:57,959,897, T>A on the plus strand (A>T on the coding strand, the complement: CNGB1 is on the minus strand). VCF-style: chr16-57959897-T-A. GRCh37 (hg19) VCF-style: chr16-57993801-T-A.
Other names: c.752A>T, p.Asp251Val (NM_001135639.2); c.734A>T, p.Asp245Val (NM_001286130.2); c.752A>T (NM_001297.4); short protein forms D245V, D251V.
Identifiers: ClinVar variation 1005632 (VCV001005632.8), dbSNP rs370285136, ClinGen allele CA8083705.